The following is an entry in ClinVar:

ClinVar aggregate classification (germline): Uncertain significance (1 of 4 stars; one submission).

Conditions:
Epilepsy, progressive myoclonic, 1B. Also called: PME. Identifiers: Orphanet 308, MedGen C2676254, MONDO:0012904, OMIM 612437.

Submission:

Labcorp Genetics (formerly Invitae), Labcorp
Classification: Uncertain significance for Progressive myoclonus epilepsy with ataxia. Last evaluated: 2018-04-06. Review status: criteria provided, single submitter. Criteria: Invitae Variant Classification Sherloc (09022015). Collection method: clinical testing. Allele origin: germline.
Comment: This variant results in a copy number gain of the genomic region encompassing the full coding sequence of the PRICKLE1 gene. The boundaries of this event are unknown as they extend beyond the assayed region for this gene and therefore may encompass additional genes. As the precise location of this event is unknown, it may be in tandem or it may be located elsewhere in the genome. This variant has not been reported in the literature in individuals with PRICKLE1-related disease. In summary, the available evidence is currently insufficient to determine the role of this variant in disease. Therefore, it has been classified as a Variant of Uncertain Significance.

NC_000012.11:g.(?_42853591)_(42866338_?)dup

Genes: PRICKLE1 (prickle planar cell polarity protein 1; minus strand), LOC126861509 (BRD4-independent group 4 enhancer GRCh37_chr12:42858567-42859766; plus strand), LOC130007700 (ATAC-STARR-seq lymphoblastoid active region 6212; plus strand), LOC130007701 (ATAC-STARR-seq lymphoblastoid active region 6213; plus strand). Cytogenetic location: 12q12.
Variant type: Duplication.
Identifiers: ClinVar variation 584101 (VCV000584101.2).